The following is an entry in ClinVar:

NM_031433.4(MFRP):c.1604T>C (p.Leu535Pro)

Genes: C1QTNF5 (C1q and TNF related 5; minus strand), MFRP (membrane frizzled-related protein; minus strand). Cytogenetic location: 11q23.3.
Variant type: single nucleotide variant.
Coding change: c.1604T>C on transcript NM_031433.4 (MANE Select); coding-DNA position 1604, T replaced by C.
Protein change: p.Leu535Pro; replaces leucine 535 with proline.
Molecular consequence: missense variant. On other transcripts: 5 prime UTR variant (1).
Genome position (GRCh38, 1-based): chr11:119,341,684, A>G on the plus strand (T>C on the coding strand, the complement: MFRP is on the minus strand). VCF-style: chr11-119341684-A-G. GRCh37 (hg19) VCF-style: chr11-119212394-A-G.
Other names: c.-1033T>C (NM_015645.5); short protein forms L535P.
Identifiers: ClinVar variation 1378813 (VCV001378813.7), dbSNP rs2135367742, ClinGen allele CA382971551.
Genomic context (GRCh38, chr11:119,341,684, plus strand): 5'-AGTGCCAGGCCAGACTGGCACTGGTGCTCCGCTTCCTGGCAGACAGAGCGGCAAGGGGGC[A>G]GAACACTGCCTAGTGGGGTGCAACGGGGCACAAGCAGCCCACACAGGAGCCTCCGGAAAT-3'
Protein context (NP_113621.1, residues 525-545): VPRCTPLGSV[Leu535Pro]PPCRSVCQEA

ClinVar aggregate classification (germline): Uncertain significance (1 of 4 stars; one submission).

Conditions:
Isolated microphthalmia 5. Also called: Posterior Microphthalmia with Retinitis Pigmentosa, Foveoschisis, and Optic Disc Drusen. Identifiers: Orphanet 251279, MedGen C1970236, MONDO:0012605, OMIM 611040.

Submission:

Labcorp Genetics (formerly Invitae), Labcorp
Classification: Uncertain significance for Isolated microphthalmia 5. Last evaluated: 2022-06-27. Review status: criteria provided, single submitter. Criteria: Invitae Variant Classification Sherloc (09022015). Collection method: clinical testing. Allele origin: germline.
Comment: This sequence change replaces leucine, which is neutral and non-polar, with proline, which is neutral and non-polar, at codon 535 of the MFRP protein (p.Leu535Pro). In summary, the available evidence is currently insufficient to determine the role of this variant in disease. Therefore, it has been classified as a Variant of Uncertain Significance. Algorithms developed to predict the effect of missense changes on protein structure and function (SIFT, PolyPhen-2, Align-GVGD) all suggest that this variant is likely to be disruptive. This variant has not been reported in the literature in individuals affected with MFRP-related conditions. This variant is not present in population databases (gnomAD no frequency).